The following is an entry in ClinVar:

NM_001376.5(DYNC1H1):c.9457A>C (p.Thr3153Pro)

Genes: DYNC1H1 (dynein cytoplasmic 1 heavy chain 1; plus strand), LOC126862060 (BRD4-independent group 4 enhancer GRCh37_chr14:102493659-102494858; plus strand). Cytogenetic location: 14q32.31.
Variant type: single nucleotide variant.
Coding change: c.9457A>C on transcript NM_001376.5 (MANE Select); coding-DNA position 9457, A replaced by C.
Protein change: p.Thr3153Pro; replaces threonine 3153 with proline.
Molecular consequence: missense variant.
Genome position (GRCh38, 1-based): chr14:102,028,130, A>C. VCF-style: chr14-102028130-A-C. GRCh37 (hg19) VCF-style: chr14-102494467-A-C.
Other names: short protein forms T3153P.
Identifiers: ClinVar variation 4281389 (VCV004281389.7).
Genomic context (GRCh38, chr14:102,028,130, plus strand): 5'-CTGCCGCAGCCACCATCCCATCGGGAAGCCATTGTGAACAGCTGTGTGTTTGTTCATCAG[A>C]CTCTTCACCAGGTGGGTTCAGTTTTGAGATCAACAGATAAACCACAAAACTAACCATCAT-3'
Protein context (NP_001367.2, residues 3143-3163): IVNSCVFVHQ[Thr3153Pro]LHQANARLAK

ClinVar aggregate classification (germline): Uncertain significance (1 of 4 stars; one submission).

Submission:

CeGaT Center for Human Genetics Tuebingen
Classification: Uncertain significance. Last evaluated: 2025-09-01. Review status: criteria provided, single submitter. Criteria: CeGaT Center For Human Genetics Tuebingen Variant Classification Criteria Version 2. Collection method: clinical testing. Allele origin: germline. Affected: yes. Observed: 1 variant allele.
Comment: DYNC1H1: PM2, PP2